The following is an entry in ClinVar:

NM_024422.6(DSC2):c.629A>C (p.Glu210Ala)

Gene: DSC2 (desmocollin 2; minus strand). Cytogenetic location: 18q12.1.
Variant type: single nucleotide variant.
Coding change: c.629A>C on transcript NM_024422.6 (MANE Select); coding-DNA position 629, A replaced by C.
Protein change: p.Glu210Ala; replaces glutamic acid 210 with alanine.
Molecular consequence: missense variant.
Genome position (GRCh38, 1-based): chr18:31,089,440, T>G on the plus strand (A>C on the coding strand, the complement: DSC2 is on the minus strand). VCF-style: chr18-31089440-T-G. GRCh37 (hg19) VCF-style: chr18-28669403-T-G.
Other names: c.200A>C, p.Glu67Ala (NM_001406506.1, NM_001406507.1); c.629A>C, p.Glu210Ala (NM_004949.5); short protein forms E210A, E67A.
Identifiers: ClinVar variation 2123768 (VCV002123768.4), dbSNP rs2510953701, ClinGen allele CA402113308.
Genomic context (GRCh38, chr18:31,089,440, plus strand): 5'-AGAGACAAAATGGCCAAGCATCATCATTGCTAATACAGTACACACATTTTAGACTTTACC[T>G]CAAAAGATTCATACTGCTCACGATCTACAGGACGAGTACAATACAAGTTTCCAGTGTCTC-3'
Protein context (NP_077740.1, residues 200-220): PVDREQYESF[Glu210Ala]IIAFATTPDG

ClinVar aggregate classification (germline): Uncertain significance (1 of 4 stars; one submission).

Conditions:
Arrhythmogenic right ventricular dysplasia 11. Also called: Arrhythmogenic right ventricular dysplasia 11 with mild palmoplantar keratoderma and woolly hair; Arrhythmogenic Right Ventricular Dysplasia/Cardiomyopathy11; ARRHYTHMOGENIC RIGHT VENTRICULAR DYSPLASIA, FAMILIAL, 11. Identifiers: MedGen C1864850, MONDO:0012506, OMIM 610476.

Allele frequency attached by ClinVar (database versions not stated): gnomAD exomes below 0.00001.
gnomAD v4.1: 1 of 1,613,778 alleles (0.000062%); highest among the groups gnomAD compares: Non-Finnish European, 0.000085%; no homozygotes.

Submission:

Labcorp Genetics (formerly Invitae), Labcorp
Classification: Uncertain significance for Arrhythmogenic right ventricular dysplasia 11. Last evaluated: 2022-04-09. Review status: criteria provided, single submitter. Criteria: Invitae Variant Classification Sherloc (09022015). Collection method: clinical testing. Allele origin: germline.
Comment: In summary, the available evidence is currently insufficient to determine the role of this variant in disease. Therefore, it has been classified as a Variant of Uncertain Significance. Algorithms developed to predict the effect of sequence changes on RNA splicing suggest that this variant may create or strengthen a splice site. Algorithms developed to predict the effect of missense changes on protein structure and function (SIFT, PolyPhen-2, Align-GVGD) all suggest that this variant is likely to be tolerated. This variant has not been reported in the literature in individuals affected with DSC2-related conditions. This variant is not present in population databases (gnomAD no frequency). This sequence change replaces glutamic acid, which is acidic and polar, with alanine, which is neutral and non-polar, at codon 210 of the DSC2 protein (p.Glu210Ala).